The following is an entry in ClinVar:

NM_001289125.3(IFNAR2):c.1085C>T (p.Pro362Leu)

Genes: IFNAR2 (interferon alpha and beta receptor subunit 2; plus strand), IFNAR2-IL10RB (IFNAR2-IL10RB readthrough; plus strand). Cytogenetic location: 21q22.11.
Variant type: single nucleotide variant.
Coding change: c.1085C>T on transcript NM_001289125.3 (MANE Select); coding-DNA position 1085, C replaced by T.
Protein change: p.Pro362Leu; replaces proline 362 with leucine.
Molecular consequence: missense variant. On other transcripts: 3 prime UTR variant (5).
Genome position (GRCh38, 1-based): chr21:33,263,037, C>T. VCF-style: chr21-33263037-C-T. GRCh37 (hg19) VCF-style: chr21-34635342-C-T.
Other names: c.1085C>T (NM_207585.1); c.*321C>T (NM_000874.5, NM_207584.3); c.*234C>T (NM_001289126.2, NM_001289128.2); c.*460C>T (NM_001385054.1); c.1085C>T, p.Pro362Leu (NM_001385055.1, NM_207585.3); short protein forms P362L.
Identifiers: ClinVar variation 1016589 (VCV001016589.10), dbSNP rs776463241, ClinGen allele CA10005909.

ClinVar aggregate classification (germline): Uncertain significance. Review status: criteria provided, multiple submitters, no conflicts (2 of 4 stars). 2 submissions from 2 submitters: Uncertain significance (2). Last evaluated 2025-08-23.

Allele frequency attached by ClinVar (database versions not stated): ExAC 0.00004; gnomAD exomes 0.00005 and 0.00002; gnomAD 0.00001; TOPMed 0.00002.
gnomAD v4.1: 30 of 1,614,000 alleles (0.0019%); highest among the groups gnomAD compares: Middle Eastern, 0.016%; no homozygotes.

Submissions (2):

Ambry Genetics
Classification: Uncertain significance. Last evaluated: 2025-08-23. Review status: criteria provided, single submitter. Criteria: Ambry Variant Classification Scheme 2023. Collection method: clinical testing. Allele origin: germline.

Labcorp Genetics (formerly Invitae), Labcorp
Classification: Uncertain significance. Last evaluated: 2025-04-24. Review status: criteria provided, single submitter. Criteria: Invitae Variant Classification Sherloc (09022015). Collection method: clinical testing. Allele origin: germline.
Comment: This sequence change replaces proline, which is neutral and non-polar, with leucine, which is neutral and non-polar, at codon 362 of the IFNAR2 protein (p.Pro362Leu). This variant is present in population databases (rs776463241, gnomAD 0.02%). This variant has not been reported in the literature in individuals affected with IFNAR2-related conditions. ClinVar contains an entry for this variant (Variation ID: 1016589). An algorithm developed to predict the effect of missense changes on protein structure and function outputs the following: PolyPhen-2: "Probably Damaging". The leucine amino acid residue is found in multiple mammalian species, which suggests that this missense change does not adversely affect protein function. In summary, the available evidence is currently insufficient to determine the role of this variant in disease. Therefore, it has been classified as a Variant of Uncertain Significance.